The following is an entry in ClinVar:

ClinVar aggregate classification (germline): Uncertain significance (1 of 4 stars; one submission).

Conditions:
Neurofibromatosis, type 1 (NF1). Also called: Neurofibromatosis, type I; VON RECKLINGHAUSEN DISEASE; Peripheral type neurofibromatosis; NEUROFIBROMATOSIS, TYPE I, SOMATIC. Identifiers: Orphanet 636, MedGen C0027831, MONDO:0018975, OMIM 162200. Disease mechanism: loss of function.

Submission:

Labcorp Genetics (formerly Invitae), Labcorp
Classification: Uncertain significance for Neurofibromatosis, type 1. Last evaluated: 2019-12-22. Review status: criteria provided, single submitter. Criteria: Invitae Variant Classification Sherloc (09022015). Collection method: clinical testing. Allele origin: germline.
Comment: This variant is not present in population databases (ExAC no frequency). This sequence change replaces aspartic acid with tyrosine at codon 896 of the NF1 protein (p.Asp896Tyr). The aspartic acid residue is moderately conserved and there is a large physicochemical difference between aspartic acid and tyrosine. This variant has not been reported in the literature in individuals with NF1-related conditions. In summary, the available evidence is currently insufficient to determine the role of this variant in disease. Therefore, it has been classified as a Variant of Uncertain Significance. Algorithms developed to predict the effect of missense changes on protein structure and function are either unavailable or do not agree on the potential impact of this missense change (SIFT: "Deleterious"; PolyPhen-2: "Probably Damaging"; Align-GVGD: "Class C0").

NM_001042492.3(NF1):c.2686G>T (p.Asp896Tyr)

Gene: NF1 (neurofibromin 1; plus strand). Cytogenetic location: 17q11.2.
Variant type: single nucleotide variant.
Coding change: c.2686G>T on transcript NM_001042492.3 (MANE Select); coding-DNA position 2686, G replaced by T.
Protein change: p.Asp896Tyr; replaces aspartic acid 896 with tyrosine.
Molecular consequence: missense variant.
Genome position (GRCh38, 1-based): chr17:31,229,301, G>T. VCF-style: chr17-31229301-G-T. GRCh37 (hg19) VCF-style: chr17-29556319-G-T.
Other names: c.2686G>T, p.Asp896Tyr (NM_000267.4); short protein forms D896Y.
Identifiers: ClinVar variation 848950 (VCV000848950.8), dbSNP rs1189816828, ClinGen allele CA398984952.
Genomic context (GRCh38, chr17:31,229,301, plus strand): 5'-TCTATGATTTCAGTGATGTCTTCAGAGGGAAACGCAGATACACCTGTCAGCAAATTTATG[G>T]ATCGGCTGTTGTCCTTAATGGTGTGTAACCATGAGAAAGTGGGACTTCAAATACGGACCA-3'
Protein context (NP_001035957.1, residues 886-906): NADTPVSKFM[Asp896Tyr]RLLSLMVCNH